The following is an entry in ClinVar:

ClinVar aggregate classification (germline): Likely benign (1 of 4 stars; one submission).

gnomAD v4.1: 85 of 1,614,014 alleles (0.0053%); highest among the groups gnomAD compares: South Asian, 0.074%; 1 homozygote.

Submission:

CeGaT Center for Human Genetics Tuebingen
Classification: Likely benign. Last evaluated: 2024-08-01. Review status: criteria provided, single submitter. Criteria: CeGaT Center For Human Genetics Tuebingen Variant Classification Criteria Version 2. Collection method: clinical testing. Allele origin: germline. Affected: yes. Observed: 1 variant allele.
Comment: CHD3: BP4, BP7

NM_001005273.3(CHD3):c.3876C>T (p.Val1292=)

Gene: CHD3 (chromodomain helicase DNA binding protein 3; plus strand). Cytogenetic location: 17p13.1.
Variant type: single nucleotide variant.
Coding change: c.3876C>T on transcript NM_001005273.3 (MANE Select); coding-DNA position 3876, C replaced by T.
Protein change: p.Val1292=; no amino-acid change (valine 1292 retained).
Molecular consequence: synonymous variant.
Genome position (GRCh38, 1-based): chr17:7,903,973, C>T. VCF-style: chr17-7903973-C-T. GRCh37 (hg19) VCF-style: chr17-7807291-C-T.
Other names: c.4053C>T, p.Val1351= (NM_001005271.3); c.3876C>T, p.Val1292= (NM_005852.4).
Identifiers: ClinVar variation 3341837 (VCV003341837.16).
Genomic context (GRCh38, chr17:7,903,973, plus strand): 5'-GGACACTGACGTGCAGAACATGAATGAGTATCTCAGCTCCTTCAAGGTGGCACAGTACGT[C>T]GTGCGGGAAGAAGACAAGGTGAGAGGCTTTGGGGGCCAGACATTATCTATCCCAGGCCAT-3'
Protein context (NP_001005273.1, residues 1282-1302): YLSSFKVAQY[Val1292=]VREEDKIEEI